The following is an entry in ClinVar:

ClinVar aggregate classification (germline): Likely benign (1 of 4 stars; one submission).

Allele frequency attached by ClinVar (database versions not stated): 1000 Genomes Project 30x 0.00078; 1000 Genomes Project 0.00080; ESP Exome Variant Server 0.00185; TOPMed 0.00199; gnomAD 0.00243; gnomAD exomes 0.00350; ExAC 0.00383.
gnomAD v4.1: 5,420 of 1,610,182 alleles (0.34%); highest among the groups gnomAD compares: Non-Finnish European, 0.4%; 13 homozygotes.

Submission:

CeGaT Center for Human Genetics Tuebingen
Classification: Likely benign. Last evaluated: 2022-07-01. Review status: criteria provided, single submitter. Criteria: CeGaT Center For Human Genetics Tuebingen Variant Classification Criteria Version 2. Collection method: clinical testing. Allele origin: germline. Affected: yes. Observed: 1 variant allele.
Comment: MKI67: BP4, BS2

NM_002417.5(MKI67):c.510C>G (p.Asp170Glu)

Gene: MKI67 (marker of proliferation Ki-67; minus strand). Cytogenetic location: 10q26.2.
Variant type: single nucleotide variant.
Coding change: c.510C>G on transcript NM_002417.5 (MANE Select); coding-DNA position 510, C replaced by G.
Protein change: p.Asp170Glu; replaces aspartic acid 170 with glutamic acid.
Molecular consequence: missense variant. On other transcripts: intron variant (1).
Genome position (GRCh38, 1-based): chr10:128,115,898, G>C on the plus strand (C>G on the coding strand, the complement: MKI67 is on the minus strand). VCF-style: chr10-128115898-G-C. GRCh37 (hg19) VCF-style: chr10-129914162-G-C.
Other names: c.400+593C>G (NM_001145966.2); short protein forms D170E.
Identifiers: ClinVar variation 2640970 (VCV002640970.24), dbSNP rs143381225, ClinGen allele CA5747670.